The following is an entry in ClinVar:

NM_001184.4(ATR):c.545T>C (p.Leu182Ser)

Gene: ATR (ATR checkpoint kinase; minus strand). Cytogenetic location: 3q23.
Variant type: single nucleotide variant.
Coding change: c.545T>C on transcript NM_001184.4 (MANE Select); coding-DNA position 545, T replaced by C.
Protein change: p.Leu182Ser; replaces leucine 182 with serine.
Molecular consequence: missense variant.
Genome position (GRCh38, 1-based): chr3:142,562,857, A>G on the plus strand (T>C on the coding strand, the complement: ATR is on the minus strand). VCF-style: chr3-142562857-A-G. GRCh37 (hg19) VCF-style: chr3-142281699-A-G.
Other names: c.545T>C, p.Leu182Ser (NM_001354579.2); short protein forms L182S.
Identifiers: ClinVar variation 2561341 (VCV002561341.2), dbSNP rs2034933684, ClinGen allele CA354826526.
Genomic context (GRCh38, chr3:142,562,857, plus strand): 5'-AAATTTTGCATACTCATCAACTGCAAAGGAGCTGATTGTAAATATCCCATGTGTTCATCT[A>G]ATTGACTTAAAAATCGGCTCATGACCACTGGCCATTCCACAGCATGACCCATCACATTTC-3'
Protein context (NP_001175.2, residues 172-192): PVVMSRFLSQ[Leu182Ser]DEHMGYLQSA

ClinVar aggregate classification (germline): Uncertain significance (1 of 4 stars; one submission).

Conditions:
Inborn genetic diseases. Identifiers: MedGen C0950123, MeSH D030342.

Allele frequency attached by ClinVar (database versions not stated): gnomAD exomes below 0.00001; TOPMed below 0.00001.
gnomAD v4.1: 3 of 1,609,904 alleles (0.00019%); highest among the groups gnomAD compares: Non-Finnish European, 0.00025%; no homozygotes.

Submission:

Ambry Genetics
Classification: Uncertain significance for Inborn genetic diseases. Last evaluated: 2023-04-03. Review status: criteria provided, single submitter. Criteria: Ambry Variant Classification Scheme 2023. Collection method: clinical testing. Allele origin: germline.
Comment: The p.L182S variant (also known as c.545T>C), located in coding exon 4 of the ATR gene, results from a T to C substitution at nucleotide position 545. The leucine at codon 182 is replaced by serine, an amino acid with dissimilar properties. This amino acid position is conserved. In addition, this alteration is predicted to be tolerated by in silico analysis. Since supporting evidence is limited at this time, the clinical significance of this alteration remains unclear.